The following is an entry in ClinVar:

NM_000264.5(PTCH1):c.1637C>G (p.Ala546Gly)

Gene: PTCH1 (patched 1; minus strand). Cytogenetic location: 9q22.32.
Variant type: single nucleotide variant.
Coding change: c.1637C>G on transcript NM_000264.5 (MANE Select); coding-DNA position 1637, C replaced by G.
Protein change: p.Ala546Gly; replaces alanine 546 with glycine.
Molecular consequence: missense variant. On other transcripts: non-coding transcript variant (1).
Genome position (GRCh38, 1-based): chr9:95,476,125, G>C on the plus strand (C>G on the coding strand, the complement: PTCH1 is on the minus strand). VCF-style: chr9-95476125-G-C. GRCh37 (hg19) VCF-style: chr9-98238407-G-C.
Other names: c.1439C>G, p.Ala480Gly (NM_001083602.3); c.1634C>G, p.Ala545Gly (NM_001083603.3); c.1184C>G, p.Ala395Gly (NM_001083604.3, NM_001083605.3, NM_001083606.3 and 1 more transcripts); c.1481C>G, p.Ala494Gly (NM_001354918.2); short protein forms A546G, A395G, A480G, A545G, A494G.
Identifiers: ClinVar variation 2847618 (VCV002847618.3), dbSNP rs2118257629, ClinGen allele CA374118055.

ClinVar aggregate classification (germline): Uncertain significance (1 of 4 stars; one submission).

Conditions:
Gorlin syndrome. Also called: Nevoid Basal Cell Carcinoma Syndrome; Basal cell nevus syndrome. Identifiers: Orphanet 377, MedGen C0004779, MONDO:0007187.

Submission:

Labcorp Genetics (formerly Invitae), Labcorp
Classification: Uncertain significance for Gorlin syndrome. Last evaluated: 2023-03-20. Review status: criteria provided, single submitter. Criteria: Invitae Variant Classification Sherloc (09022015). Collection method: clinical testing. Allele origin: germline.
Comment: This sequence change replaces alanine, which is neutral and non-polar, with glycine, which is neutral and non-polar, at codon 546 of the PTCH1 protein (p.Ala546Gly). This variant is not present in population databases (gnomAD no frequency). This variant has not been reported in the literature in individuals affected with PTCH1-related conditions. Advanced modeling of protein sequence and biophysical properties (such as structural, functional, and spatial information, amino acid conservation, physicochemical variation, residue mobility, and thermodynamic stability) performed at Invitae indicates that this missense variant is not expected to disrupt PTCH1 protein function. In summary, the available evidence is currently insufficient to determine the role of this variant in disease. Therefore, it has been classified as a Variant of Uncertain Significance.